The following is an entry in ClinVar:

NM_001387430.1(SH2B1):c.1898-197T>C

Gene: SH2B1 (SH2B adaptor protein 1; plus strand). Cytogenetic location: 16p11.2.
Variant type: single nucleotide variant.
Coding change: c.1898-197T>C on transcript NM_001387430.1 (MANE Select); 197 bases into the intron before coding-DNA position 1898, T replaced by C.
Molecular consequence: intron variant. On other transcripts: missense variant (4), synonymous variant (1).
Genome position (GRCh38, 1-based): chr16:28,873,250, T>C. VCF-style: chr16-28873250-T-C. GRCh37 (hg19) VCF-style: chr16-28884571-T-C.
Other names: c.1978T>C, p.Phe660Leu (NM_001145796.2, NM_001145812.2, NM_015503.3); c.2031T>C, p.Pro677= (NM_001145797.2); c.970T>C, p.Phe324Leu (NM_001308294.2); c.1898-197T>C (NM_001308293.2, NM_001387404.1, NM_001145795.2); short protein forms F324L, F660L.
Identifiers: ClinVar variation 4980148 (VCV004980148.1).

ClinVar aggregate classification (germline): Uncertain significance (1 of 4 stars; one submission).

Conditions:
SH2B1-related disorder. Also called: SH2B1-related condition.

gnomAD v4.1: 1 of 1,607,872 alleles (0.000062%); highest among the groups gnomAD compares: Non-Finnish European, 0.000085%; no homozygotes.

Submission:

PreventionGenetics, part of Exact Sciences
Classification: Uncertain significance for SH2B1-related condition. Last evaluated: 2026-09-11. Review status: criteria provided, single submitter. Criteria: ACMG Guidelines, 2015. Collection method: clinical testing. Allele origin: germline.
Comment: The SH2B1 c.1978T>C variant is predicted to result in the amino acid substitution p.Phe660Leu. This variant corresponds to a deep intronic position in the primary transcript for this gene (NM_001145795:c.1898-197T>C). To our knowledge, this variant has not been reported in the literature or in a large population database, indicating this variant is rare. At this time, the clinical significance of this variant is uncertain due to the absence of conclusive functional and genetic evidence.